The following is an entry in ClinVar:

NM_001035.3(RYR2):c.7030C>T (p.Leu2344Phe)

Gene: RYR2 (ryanodine receptor 2; plus strand). Cytogenetic location: 1q43.
Variant type: single nucleotide variant.
Coding change: c.7030C>T on transcript NM_001035.3 (MANE Select); coding-DNA position 7030, C replaced by T.
Protein change: p.Leu2344Phe; replaces leucine 2344 with phenylalanine.
Molecular consequence: missense variant.
Genome position (GRCh38, 1-based): chr1:237,639,116, C>T. VCF-style: chr1-237639116-C-T. GRCh37 (hg19) VCF-style: chr1-237802416-C-T.
Other names: short protein forms L2344F.
Identifiers: ClinVar variation 1063906 (VCV001063906.11), dbSNP rs2148728141, ClinGen allele CA345395936.

ClinVar aggregate classification (germline): Uncertain significance. Review status: criteria provided, multiple submitters, no conflicts (2 of 4 stars). 2 submissions from 2 submitters: Uncertain significance (2). Last evaluated 2023-07-10.

Conditions:
Catecholaminergic polymorphic ventricular tachycardia (CVPT). Also called: Catecholamine-induced polymorphic ventricular tachycardia. Identifiers: Orphanet 3286, MedGen C5574922, MONDO:0017990.
Catecholaminergic polymorphic ventricular tachycardia 1. Also called: VENTRICULAR TACHYCARDIA, CATECHOLAMINERGIC POLYMORPHIC, 1, WITH OR WITHOUT ATRIAL DYSFUNCTION AND/OR DILATED CARDIOMYOPATHY; RYR2-Related Catecholaminergic Polymorphic Ventricular Tachycardia; VENTRICULAR TACHYCARDIA, STRESS-INDUCED POLYMORPHIC 1. Identifiers: Orphanet 3286, MedGen C1631597, MONDO:0011484, OMIM 604772.

gnomAD v4.1: 1 of 1,613,844 alleles (0.000062%); highest among the groups gnomAD compares: Admixed American, 0.0017%; no homozygotes.

Submissions (2):

All of Us Research Program, National Institutes of Health
Classification: Uncertain significance for Catecholaminergic polymorphic ventricular tachycardia. Last evaluated: 2023-07-10. Review status: criteria provided, single submitter. Criteria: ACMG Guidelines, 2015. Collection method: clinical testing. Allele origin: germline. Inheritance: Autosomal dominant inheritance. Observed: 1 variant allele, 1 heterozygote.
Comment: This missense variant replaces leucine with phenylalanine at codon 2344 of the RYR2 protein. Computational prediction is inconclusive regarding the impact of this variant on protein structure and function (internally defined REVEL score threshold 0.5 < inconclusive < 0.7, PMID: 27666373). To our knowledge, functional studies have not been reported for this variant. This variant has not been reported in individuals affected with RYR2-related disorders in the literature. This variant has not been identified in the general population by the Genome Aggregation Database (gnomAD). The available evidence is insufficient to determine the role of this variant in disease conclusively. Therefore, this variant is classified as a Variant of Uncertain Significance.

This study involves interpretation of variants in research participants for the purpose of population health screening. Participant phenotype was not available at the time of variant classification. Additional details can be found in publication PMID: 35346344, PMCID: PMC8962531

Labcorp Genetics (formerly Invitae), Labcorp
Classification: Uncertain significance for Catecholaminergic polymorphic ventricular tachycardia 1. Last evaluated: 2022-03-18. Review status: criteria provided, single submitter. Criteria: Invitae Variant Classification Sherloc (09022015). Collection method: clinical testing. Allele origin: germline.
Comment: In summary, the available evidence is currently insufficient to determine the role of this variant in disease. Therefore, it has been classified as a Variant of Uncertain Significance. Advanced modeling of protein sequence and biophysical properties (such as structural, functional, and spatial information, amino acid conservation, physicochemical variation, residue mobility, and thermodynamic stability) performed at Invitae indicates that this missense variant is expected to disrupt RYR2 protein function. This sequence change replaces leucine, which is neutral and non-polar, with phenylalanine, which is neutral and non-polar, at codon 2344 of the RYR2 protein (p.Leu2344Phe). This variant is not present in population databases (gnomAD no frequency). This variant has not been reported in the literature in individuals affected with RYR2-related conditions. ClinVar contains an entry for this variant (Variation ID: 1063906).